The following is an entry in ClinVar:

ClinVar aggregate classification (germline): Uncertain significance (1 of 4 stars; one submission).

Submission:

GeneDx
Classification: Uncertain significance. Last evaluated: 2025-04-23. Review status: criteria provided, single submitter. Criteria: GeneDx Variant Classification Process June 2021. Collection method: clinical testing. Allele origin: germline. Affected: yes.
Comment: Not observed at significant frequency in large population cohorts (gnomAD); Has not been previously published as pathogenic or benign to our knowledge; Nonsense variant predicted to result in protein truncation or nonsense mediated decay in a gene for which loss-of-function is not an established mechanism of disease; Also known as p.(Y69*)

NM_000371.4(TTR):c.267C>A (p.Tyr89Ter)

Gene: TTR (transthyretin; plus strand). Cytogenetic location: 18q12.1.
Variant type: single nucleotide variant.
Coding change: c.267C>A on transcript NM_000371.4 (MANE Select); coding-DNA position 267, C replaced by A.
Protein change: p.Tyr89Ter; replaces tyrosine 89 with a stop codon.
Molecular consequence: nonsense.
Genome position (GRCh38, 1-based): chr18:31,595,186, C>A. VCF-style: chr18-31595186-C-A. GRCh37 (hg19) VCF-style: chr18-29175149-C-A.
Other names: short protein forms Y89*.
Identifiers: ClinVar variation 4527418 (VCV004527418.1).